The following is an entry in ClinVar:

ClinVar aggregate classification (germline): Uncertain significance (1 of 4 stars; one submission).

Conditions:
Hereditary cancer-predisposing syndrome. Also called: Hereditary Cancer Syndrome; Hereditary neoplastic syndrome; Neoplastic Syndromes, Hereditary; Tumor predisposition. Identifiers: Orphanet 140162, MedGen C0027672, MeSH D009386, MONDO:0015356.

Submission:

Ambry Genetics
Classification: Uncertain significance for Hereditary cancer-predisposing syndrome. Last evaluated: 2019-10-24. Review status: criteria provided, single submitter. Criteria: Ambry Variant Classification Scheme 2023. Collection method: clinical testing. Allele origin: germline.
Comment: The p.V426D variant (also known as c.1277T>A), located in coding exon 8 of the BRIP1 gene, results from a T to A substitution at nucleotide position 1277. The valine at codon 426 is replaced by aspartic acid, an amino acid with highly dissimilar properties. This amino acid position is well conserved in available vertebrate species. In addition, the in silico prediction for this alteration is inconclusive. Since supporting evidence is limited at this time, the clinical significance of this alteration remains unclear.

NM_032043.3(BRIP1):c.1277T>A (p.Val426Asp)

Gene: BRIP1 (BRCA1 interacting DNA helicase 1; minus strand). Cytogenetic location: 17q23.2.
Variant type: single nucleotide variant.
Coding change: c.1277T>A on transcript NM_032043.3 (MANE Select); coding-DNA position 1277, T replaced by A.
Protein change: p.Val426Asp; replaces valine 426 with aspartic acid.
Molecular consequence: missense variant.
Genome position (GRCh38, 1-based): chr17:61,799,163, A>T on the plus strand (T>A on the coding strand, the complement: BRIP1 is on the minus strand). VCF-style: chr17-61799163-A-T. GRCh37 (hg19) VCF-style: chr17-59876524-A-T.
Other names: short protein forms V426D.
Identifiers: ClinVar variation 1766924 (VCV001766924.2), dbSNP rs1567829202, ClinGen allele CA400483544.